The following is an entry in ClinVar:

NM_032638.5(GATA2):c.129C>G (p.Asp43Glu)

Gene: GATA2 (GATA binding protein 2; minus strand). Cytogenetic location: 3q21.3.
Variant type: single nucleotide variant.
Coding change: c.129C>G on transcript NM_032638.5 (MANE Select); coding-DNA position 129, C replaced by G.
Protein change: p.Asp43Glu; replaces aspartic acid 43 with glutamic acid.
Molecular consequence: missense variant.
Genome position (GRCh38, 1-based): chr3:128,486,903, G>C on the plus strand (C>G on the coding strand, the complement: GATA2 is on the minus strand). VCF-style: chr3-128486903-G-C. GRCh37 (hg19) VCF-style: chr3-128205746-G-C.
Other names: c.129C>G, p.Asp43Glu (NM_001145661.2, NM_001145662.1); c.129C>G (NM_032638.4); short protein forms D43E.
Identifiers: ClinVar variation 1055734 (VCV001055734.11), dbSNP rs2107673546, ClinGen allele CA354408761.

ClinVar aggregate classification (germline): Uncertain significance. Review status: criteria provided, multiple submitters, no conflicts (2 of 4 stars). 3 submissions from 3 submitters: Uncertain significance (3). Last evaluated 2025-02-27.

Conditions:
Deafness-lymphedema-leukemia syndrome. Also called: Lymphedema, primary, with myelodysplasia; Emberger syndrome. Identifiers: Orphanet 3226, MedGen C3279664, MONDO:0013540, OMIM 614038.
Monocytopenia with susceptibility to infections. Also called: MONOCYTOPENIA AND MYCOBACTERIAL INFECTION SYNDROME; MONOCYTOPENIA WITH SUSCEPTIBILITY TO MYCOBACTERIAL, FUNGAL, AND PAPILLOMAVIRUS INFECTIONS AND MYELODYSPLASIA; COMBINED IMMUNODEFICIENCY WITH SUSCEPTIBILITY TO MYCOBACTERIAL, VIRAL, AND FUNGAL INFECTIONS; Dendritic cell, monocyte, B lymphocyte, and natural killer lymphocyte deficiency; IMMUNODEFICIENCY 21; GATA2 DEFICIENCY. Identifiers: Orphanet 228423, MedGen C3280030, MONDO:0013607, OMIM 614172.
Inborn genetic diseases. Identifiers: MedGen C0950123, MeSH D030342.
Acute myeloid leukemia (AML). Also called: Leukemia, acute myeloid, somatic; Leukemia, acute myelogenous, somatic; Acute myeloid leukemia, adult; AML adult; Acute non-lymphocytic leukemia; Acute granulocytic leukemia. Identifiers: Orphanet 519, MedGen C0023467, MeSH D015470, MONDO:0018874, OMIM 601626, HP:0004808. Disease mechanism: Constitutively activated FLT3.
Myelodysplastic syndrome (MDS). Also called: MYELODYSPLASTIC SYNDROME, SUSCEPTIBILITY TO; Myelodysplastic syndrome, somatic; Myelodysplastic syndromes. Identifiers: Orphanet 52688, MedGen C3463824, MeSH D009190, MONDO:0018881, OMIM 614286.

Submissions (3):

Ambry Genetics
Classification: Uncertain significance for Inborn genetic diseases. Last evaluated: 2025-02-27. Review status: criteria provided, single submitter. Criteria: Ambry Variant Classification Scheme 2023. Collection method: clinical testing. Allele origin: germline.
Comment: The p.D43E variant (also known as c.129C>G), located in coding exon 1 of the GATA2 gene, results from a C to G substitution at nucleotide position 129. The aspartic acid at codon 43 is replaced by glutamic acid, an amino acid with highly similar properties. This amino acid position is highly conserved in available vertebrate species. In addition, the in silico prediction for this alteration is inconclusive. Based on the available evidence, the clinical significance of this variant remains unclear.

Fulgent Genetics
Classification: Uncertain significance for Acute myeloid leukemia; Deafness-lymphedema-leukemia syndrome; Monocytopenia with susceptibility to infections; Myelodysplastic syndrome. Last evaluated: 2024-02-09. Review status: criteria provided, single submitter. Criteria: ACMG Guidelines, 2015. Collection method: clinical testing. Allele origin: germline.

Labcorp Genetics (formerly Invitae), Labcorp
Classification: Uncertain significance for Monocytopenia with susceptibility to infections; Deafness-lymphedema-leukemia syndrome. Last evaluated: 2023-08-16. Review status: criteria provided, single submitter. Criteria: Invitae Variant Classification Sherloc (09022015). Collection method: clinical testing. Allele origin: germline.
Comment: This sequence change replaces aspartic acid, which is acidic and polar, with glutamic acid, which is acidic and polar, at codon 43 of the GATA2 protein (p.Asp43Glu). In summary, the available evidence is currently insufficient to determine the role of this variant in disease. Therefore, it has been classified as a Variant of Uncertain Significance. Advanced modeling of protein sequence and biophysical properties (such as structural, functional, and spatial information, amino acid conservation, physicochemical variation, residue mobility, and thermodynamic stability) performed at Invitae indicates that this missense variant is not expected to disrupt GATA2 protein function. ClinVar contains an entry for this variant (Variation ID: 1055734). This variant has not been reported in the literature in individuals affected with GATA2-related conditions. This variant is not present in population databases (gnomAD no frequency).